The following is an entry in ClinVar:

NM_001244008.2(KIF1A):c.4683G>A (p.Thr1561=)

Gene: KIF1A (kinesin family member 1A; minus strand). Cytogenetic location: 2q37.3.
Variant type: single nucleotide variant.
Coding change: c.4683G>A on transcript NM_001244008.2 (MANE Select); coding-DNA position 4683, G replaced by A.
Protein change: p.Thr1561=; no amino-acid change (threonine 1561 retained).
Molecular consequence: synonymous variant.
Genome position (GRCh38, 1-based): chr2:240,721,867, C>T on the plus strand (G>A on the coding strand, the complement: KIF1A is on the minus strand). VCF-style: chr2-240721867-C-T. GRCh37 (hg19) VCF-style: chr2-241661284-C-T.
Other names: c.4407G>A, p.Thr1469= (NM_001320705.2, NM_001379649.1); c.4434G>A, p.Thr1478= (NM_001330289.2); c.4482G>A, p.Thr1494= (NM_001330290.2, NM_001379648.1); c.4758G>A, p.Thr1586= (NM_001379631.1); c.4659G>A, p.Thr1553= (NM_001379632.1); c.4656G>A, p.Thr1552= (NM_001379633.1, NM_001379645.1); c.4509G>A, p.Thr1503= (NM_001379634.1); c.4506G>A, p.Thr1502= (NM_001379635.1, NM_001379646.1); and 8 more.
Identifiers: ClinVar variation 767278 (VCV000767278.14), dbSNP rs370908366, ClinGen allele CA2207347.

ClinVar aggregate classification (germline): Likely benign. Review status: criteria provided, multiple submitters, no conflicts (2 of 4 stars). 3 submissions from 3 submitters: Likely benign (3). Last evaluated 2025-12-29.

Conditions:
Hereditary spastic paraplegia 30. Identifiers: Orphanet 101010, MedGen C5235139, MONDO:0012476.
Intellectual disability, autosomal dominant 9 (NESCAVS). Also called: NESCAV SYNDROME; KIF1A-Related Neurodevelopmental Disorder. Identifiers: Orphanet 662367, MedGen C5393830, MONDO:0013656, OMIM 614255.
Neuropathy, hereditary sensory, type 2C. Also called: Hereditary sensory and autonomic neuropathy type IIC; KIF1A-Related HSAN2 (HSAN2C). Identifiers: Orphanet 970, MedGen C3280168, MONDO:0013634, OMIM 614213.
KIF1A-related disorder. Also called: KIF1A-related disorders; KIF1A-related condition.

Allele frequency attached by ClinVar (database versions not stated): gnomAD exomes 0.00004; ExAC 0.00005; gnomAD 0.00006; ESP Exome Variant Server 0.00008; TOPMed 0.00011.
gnomAD v4.1: 38 of 1,606,088 alleles (0.0024%); highest among the groups gnomAD compares: Middle Eastern, 0.033%; no homozygotes.

Submissions (3):

PreventionGenetics, part of Exact Sciences
Classification: Likely benign for KIF1A-related condition. Last evaluated: 2025-12-29. Review status: criteria provided, single submitter. Criteria: ACMG Guidelines, 2015. Collection method: clinical testing. Allele origin: germline.
Comment: This variant is classified as likely benign based on ACMG/AMP sequence variant interpretation guidelines (Richards et al. 2015 PMID: 25741868, with internal and published modifications).

Labcorp Genetics (formerly Invitae), Labcorp
Classification: Likely benign for Hereditary spastic paraplegia 30; Neuropathy, hereditary sensory, type 2C; Intellectual disability, autosomal dominant 9. Last evaluated: 2025-11-23. Review status: criteria provided, single submitter. Criteria: Invitae Variant Classification Sherloc (09022015). Collection method: clinical testing. Allele origin: germline.

Genetic Services Laboratory, University of Chicago
Classification: Likely benign. Last evaluated: 2019-06-14. Review status: criteria provided, single submitter. Criteria: ACMG Guidelines, 2015. Collection method: clinical testing. Allele origin: germline. Affected: no.